The following is an entry in ClinVar:

NM_020778.5(ALPK3):c.25C>T (p.Arg9Trp)

Gene: ALPK3 (alpha kinase 3; plus strand). Cytogenetic location: 15q25.3.
Variant type: single nucleotide variant.
Coding change: c.25C>T on transcript NM_020778.5 (MANE Select); coding-DNA position 25, C replaced by T.
Protein change: p.Arg9Trp; replaces arginine 9 with tryptophan.
Molecular consequence: missense variant.
Genome position (GRCh38, 1-based): chr15:84,817,477, C>T. VCF-style: chr15-84817477-C-T. GRCh37 (hg19) VCF-style: chr15-85360708-C-T.
Other names: short protein forms R9W.
Identifiers: ClinVar variation 4692797 (VCV004692797.1).
Genomic context (GRCh38, chr15:84,817,477, plus strand): 5'-GCGAGTGCGGGGCCGGCGGTCGGGGAGGGCGGTGCCATGGGGTCGCGGAGGGCCCCCAGC[C>T]GGGGCTGGGGCGCGGGTGGGCGGTCGGGGGCGGGGGGCGACGGTGAGGACGACGGCCCCG-3'
Protein context (NP_065829.4, residues 1-19): MGSRRAPS[Arg9Trp]GWGAGGRSGA

ClinVar aggregate classification (germline): Uncertain significance (1 of 4 stars; one submission).

Submission:

Labcorp Genetics (formerly Invitae), Labcorp
Classification: Uncertain significance. Last evaluated: 2025-03-03. Review status: criteria provided, single submitter. Criteria: Invitae Variant Classification Sherloc (09022015). Collection method: clinical testing. Allele origin: germline.
Comment: This sequence change replaces arginine, which is basic and polar, with tryptophan, which is neutral and slightly polar, at codon 211 of the ALPK3 protein (p.Arg211Trp). The frequency data for this variant in the population databases is considered unreliable, as metrics indicate insufficient coverage at this position in the gnomAD database. This variant has not been reported in the literature in individuals affected with ALPK3-related conditions. An algorithm developed to predict the effect of missense changes on protein structure and function (PolyPhen-2) suggests that this variant is likely to be disruptive. In summary, the available evidence is currently insufficient to determine the role of this variant in disease. Therefore, it has been classified as a Variant of Uncertain Significance.